The following is an entry in ClinVar:

NC_000016.10:g.89746689dup

Gene: FANCA (FA complementation group A; minus strand). Cytogenetic location: 16q24.3.
Variant type: Duplication.
Genome position: GRCh38 VCF-style: chr16-89746686-G-GC. GRCh37 (hg19) VCF-style: chr16-89813094-G-GC.
Identifiers: ClinVar variation 2697334 (VCV002697334.3), dbSNP rs2544119852, ClinGen allele CA2697556068.

ClinVar aggregate classification (germline): Pathogenic (1 of 4 stars; one submission).

Conditions:
Fanconi anemia (FA). Also called: Fanconi's anemia. Identifiers: Orphanet 84, MedGen C0015625, MeSH D005199, MONDO:0019391.

Submission:

Labcorp Genetics (formerly Invitae), Labcorp
Classification: Pathogenic for Fanconi anemia. Last evaluated: 2023-11-19. Review status: criteria provided, single submitter. Criteria: Invitae Variant Classification Sherloc (09022015). Collection method: clinical testing. Allele origin: germline.
Comment: This sequence change creates a premature translational stop signal (p.Leu1138Profs*77) in the FANCA gene. It is expected to result in an absent or disrupted protein product. Loss-of-function variants in FANCA are known to be pathogenic (PMID: 19367192). This variant is not present in population databases (gnomAD no frequency). This variant has not been reported in the literature in individuals affected with FANCA-related conditions. For these reasons, this variant has been classified as Pathogenic.

Literature cited by the submitters: PubMed 19367192.